The following is an entry in ClinVar:

NM_019601.4(SUSD2):c.1436C>T (p.Thr479Ile)

Gene: SUSD2 (sushi domain containing 2; plus strand). Cytogenetic location: 22q11.23.
Variant type: single nucleotide variant.
Coding change: c.1436C>T on transcript NM_019601.4 (MANE Select); coding-DNA position 1436, C replaced by T.
Protein change: p.Thr479Ile; replaces threonine 479 with isoleucine.
Molecular consequence: missense variant.
Genome position (GRCh38, 1-based): chr22:24,186,112, C>T. VCF-style: chr22-24186112-C-T. GRCh37 (hg19) VCF-style: chr22-24582080-C-T.
Other names: short protein forms T479I.
Identifiers: ClinVar variation 3770532 (VCV003770532.13).
Genomic context (GRCh38, chr22:24,186,112, plus strand): 5'-ACGGCACCAACTTCACATTCAATGGGCGCGGAGAGTACGTGCTGCTGGAGGCAGCGCTGA[C>T]CGACCTGAGGGTGCAGGCGCGGGCCCAGCCCGGGACGATGTCCAACGGTGAGGCCAGGGC-3'
Protein context (NP_062547.1, residues 469-489): GEYVLLEAAL[Thr479Ile]DLRVQARAQP

ClinVar aggregate classification (germline): Benign (1 of 4 stars; one submission).

gnomAD v4.1: 8,284 of 1,612,374 alleles (0.51%); highest among the groups gnomAD compares: Middle Eastern, 1.1%; 52 homozygotes.

Submission:

CeGaT Center for Human Genetics Tuebingen
Classification: Benign. Last evaluated: 2024-12-01. Review status: criteria provided, single submitter. Criteria: CeGaT Center For Human Genetics Tuebingen Variant Classification Criteria Version 2. Collection method: clinical testing. Allele origin: germline. Affected: yes. Observed: 1 variant allele.
Comment: SUSD2: BP4, BS1, BS2